The following is an entry in ClinVar:

NM_000169.3(GLA):c.559A>G (p.Met187Val)

Genes: GLA (galactosidase alpha; minus strand), RPL36A-HNRNPH2 (RPL36A-HNRNPH2 readthrough; plus strand). Cytogenetic location: Xq22.1.
Variant type: single nucleotide variant.
Coding change: c.559A>G on transcript NM_000169.3 (MANE Select); coding-DNA position 559, A replaced by G.
Protein change: p.Met187Val; replaces methionine 187 with valine.
Molecular consequence: missense variant. On other transcripts: non-coding transcript variant (2), intron variant (2).
Genome position (GRCh38, 1-based): chrX:101,400,746, T>C on the plus strand (A>G on the coding strand, the complement: GLA is on the minus strand). VCF-style: chrX-101400746-T-C. GRCh37 (hg19) VCF-style: chrX-100655734-T-C.
Other names: c.682A>G, p.Met228Val (NM_001406747.1); c.559A>G, p.Met187Val (NM_001406748.1); c.300+5289T>C (NM_001199973.2); c.177+8924T>C (NM_001199974.2); short protein forms M187V, M228V.
Identifiers: ClinVar variation 1324466 (VCV001324466.9), dbSNP rs869312340, ClinGen allele CA352852.

ClinVar aggregate classification (germline): Likely pathogenic. Review status: criteria provided, multiple submitters, no conflicts (2 of 4 stars). 5 submissions from 5 submitters: Likely pathogenic (5). Last evaluated 2026-09-08.

Conditions:
Fabry disease. Also called: Ceramide trihexosidosis; GLA DEFICIENCY; HEREDITARY DYSTOPIC LIPIDOSIS; Angiokeratoma corporis diffusum; Fabry's disease; ALPHA-GALACTOSIDASE A DEFICIENCY. Identifiers: Orphanet 324, MedGen C0002986, MONDO:0010526, OMIM 301500, HP:0001071. Disease mechanism: Fabry disease is due to inactivating mutations in the X-linked GLA gene resulting in deficiency of the enzyme Alpha Galactosidase-A., loss of function.

Submissions (5):

Genomenon, Inc
Classification: Likely pathogenic for Fabry disease. Last evaluated: 2026-09-08. Review status: criteria provided, single submitter. Criteria: Genomenon Sequence Variant Interpretation Standards - Updated. Collection method: curation. Allele origin: germline. Affected: yes.
Comment: GLA p.Met187Val (c.559A>G) is a missense variant that changes the amino acid at codon 187 from Methionine to Valine. This variant has been observed in at least one proband with clinical features consistent with Fabry disease (PMID:37807078;19774328;32843101;10916280;31213654;37542614;32583479). Functional or patient cell studies have been reported (PMID:24386359;32023956;32843101;26415523;27657681;31213654;33456042;30568064). The presence of pathogenic/likely pathogenic missense variant(s) at the same amino acid position indicates that this residue is likely important for protein function. It is absent or not present at a significant frequency in gnomAD. In silico models predict that this variant is possibly or probably damaging. In conclusion, we classify GLA p.Met187Val (c.559A>G) as a likely pathogenic variant.

Labcorp Genetics (formerly Invitae), Labcorp
Classification: Likely pathogenic for Fabry disease. Last evaluated: 2025-06-04. Review status: criteria provided, single submitter. Criteria: Invitae Variant Classification Sherloc (09022015). Collection method: clinical testing. Allele origin: germline.
Comment: This sequence change replaces methionine, which is neutral and non-polar, with valine, which is neutral and non-polar, at codon 187 of the GLA protein (p.Met187Val). This variant is not present in population databases (gnomAD no frequency). This missense change has been observed in individual(s) with Fabry disease (PMID: 10916280, 26415523, 32843101). ClinVar contains an entry for this variant (Variation ID: 1324466). Invitae Evidence Modeling of protein sequence and biophysical properties (such as structural, functional, and spatial information, amino acid conservation, physicochemical variation, residue mobility, and thermodynamic stability) indicates that this missense variant is not expected to disrupt GLA protein function with a negative predictive value of 80%. This variant disrupts the p.Met187 amino acid residue in GLA. Other variant(s) that disrupt this residue have been determined to be pathogenic (PMID: 16595074, 23935525, 24679964, 32843101). This suggests that this residue is clinically significant, and that variants that disrupt this residue are likely to be disease-causing. In summary, the currently available evidence indicates that the variant is pathogenic, but additional data are needed to prove that conclusively. Therefore, this variant has been classified as Likely Pathogenic.

MVZ Medizinische Genetik Mainz
Classification: Likely pathogenic for Fabry disease. Last evaluated: 2024-08-19. Review status: criteria provided, single submitter. Criteria: UK Practice Guidelines For Variant Classification V4 01 2020. Collection method: clinical testing. Allele origin: germline. Inheritance: X-linked dominant inheritance. Affected: yes. Observed: 1 variant allele.
Comment: ACMG Criteria: PS3,PM5,PS4_SUP,PM2_SUP,PP3

3billion
Classification: Likely pathogenic for Fabry disease. Last evaluated: 2023-02-23. Review status: criteria provided, single submitter. Criteria: ACMG Guidelines, 2015. Collection method: clinical testing. Allele origin: unknown. Affected: yes.
Comment: The variant is not observed in the gnomAD v2.1.1 dataset. Missense changes are a common disease-causing mechanism. In silico tool predictions suggest damaging effect of the variant on gene or gene product (REVEL: 0.77; 3Cnet: 0.97). Same nucleotide change resulting in same amino acid change has been previously reported to be associated with GLA related disorder (ClinVar ID: VCV001324466 / PMID: 10916280). A different missense change at the same codon (p.Met187Thr) has been reported as pathogenic/likely pathogenic with strong evidence (ClinVar ID: VCV000222310). Therefore, this variant is classified as Likely pathogenic according to the recommendation of ACMG/AMP guideline.

Revvity Omics, Revvity
Classification: Likely pathogenic. Last evaluated: 2020-05-23. Review status: criteria provided, single submitter. Criteria: ACMG Guidelines, 2015. Collection method: clinical testing. Allele origin: germline.

Literature cited by the submitters: PubMed 37807078 (cited by Genomenon, Inc); PubMed 19774328 (cited by Genomenon, Inc); PubMed 32843101 (cited by Genomenon, Inc and Labcorp Genetics (formerly Invitae), Labcorp); PubMed 10916280 (cited by 3 submitters); PubMed 31213654 (cited by Genomenon, Inc); PubMed 37542614 (cited by Genomenon, Inc); PubMed 32583479 (cited by Genomenon, Inc); PubMed 24386359 (cited by Genomenon, Inc); PubMed 32023956 (cited by Genomenon, Inc); PubMed 26415523 (cited by Genomenon, Inc and Labcorp Genetics (formerly Invitae), Labcorp); PubMed 27657681 (cited by Genomenon, Inc); PubMed 33456042 (cited by Genomenon, Inc); PubMed 30568064 (cited by Genomenon, Inc); PubMed 16595074 (cited by Labcorp Genetics (formerly Invitae), Labcorp); PubMed 23935525 (cited by Labcorp Genetics (formerly Invitae), Labcorp); PubMed 24679964 (cited by Labcorp Genetics (formerly Invitae), Labcorp).